The following is an entry in ClinVar:

NM_000481.4(AMT):c.847C>T (p.Pro283Ser)

Gene: AMT (aminomethyltransferase; minus strand). Cytogenetic location: 3p21.31.
Variant type: single nucleotide variant.
Coding change: c.847C>T on transcript NM_000481.4 (MANE Select); coding-DNA position 847, C replaced by T.
Protein change: p.Pro283Ser; replaces proline 283 with serine.
Molecular consequence: missense variant. On other transcripts: non-coding transcript variant (1).
Genome position (GRCh38, 1-based): chr3:49,419,001, G>A on the plus strand (C>T on the coding strand, the complement: AMT is on the minus strand). VCF-style: chr3-49419001-G-A. GRCh37 (hg19) VCF-style: chr3-49456434-G-A.
Other names: c.715C>T, p.Pro239Ser (NM_001164710.2); c.679C>T, p.Pro227Ser (NM_001164711.2); c.847C>T, p.Pro283Ser (NM_001164712.2); short protein forms P227S, P239S, P283S.
Identifiers: ClinVar variation 1398467 (VCV001398467.10), dbSNP rs771214835, ClinGen allele CA2398226.
Genomic context (GRCh38, chr3:49,419,001, plus strand): 5'-ACCCTATCCTTTAGTGCTGGCCCAGCTCACCCAGTGTCCAACTGAGGCTGCCCTCCACAG[G>A]TGTAGTGTGTTCATCAATGTCATTCCCATACAGGCAGAGGCCTGCCTCCAGGCGCAGGCT-3'
Protein context (NP_000472.2, residues 273-293): YGNDIDEHTT[Pro283Ser]VEGSLSWTLG

ClinVar aggregate classification (germline): Pathogenic (1 of 4 stars; one submission).

Conditions:
Glycine encephalopathy. Also called: Nonketotic hyperglycinemia; Non-ketotic hyperglycinemia. Identifiers: Orphanet 407, MedGen C0751748, MONDO:0011612, HP:0008288.

Allele frequency attached by ClinVar (database versions not stated): gnomAD exomes below 0.00001; ExAC 0.00001; gnomAD 0.00001.

Submission:

Labcorp Genetics (formerly Invitae), Labcorp
Classification: Pathogenic for Glycine encephalopathy. Last evaluated: 2023-10-17. Review status: criteria provided, single submitter. Criteria: Invitae Variant Classification Sherloc (09022015). Collection method: clinical testing. Allele origin: germline.
Comment: This sequence change replaces proline, which is neutral and non-polar, with serine, which is neutral and polar, at codon 283 of the AMT protein (p.Pro283Ser). This variant is not present in population databases (gnomAD no frequency). This missense change has been observed in individual(s) with glycine encephalopathy (Invitae). In at least one individual the data is consistent with being in trans (on the opposite chromosome) from a pathogenic variant. ClinVar contains an entry for this variant (Variation ID: 1398467). Advanced modeling of protein sequence and biophysical properties (such as structural, functional, and spatial information, amino acid conservation, physicochemical variation, residue mobility, and thermodynamic stability) performed at Invitae indicates that this missense variant is expected to disrupt AMT protein function. For these reasons, this variant has been classified as Pathogenic.